The following is an entry in ClinVar:

ClinVar aggregate classification (germline): Conflicting classifications of pathogenicity. Review status: criteria provided, conflicting classifications (1 of 4 stars). 3 submissions from 3 submitters: Uncertain significance (2); Likely benign (1). Last evaluated 2026-06-29.

Conditions:
DNAH11-related disorder. Also called: DNAH11-related condition.
Primary ciliary dyskinesia. Also called: Ciliary dyskinesia. Identifiers: Orphanet 244, MedGen C0008780, MONDO:0016575, HP:0012265.

Submissions (3):

PreventionGenetics, part of Exact Sciences
Classification: Uncertain significance for DNAH11-related condition. Last evaluated: 2026-06-29. Review status: criteria provided, single submitter. Criteria: ACMG Guidelines, 2015. Collection method: clinical testing. Allele origin: germline.
Comment: The DNAH11 c.1915_1916delinsTG variant is predicted to result in an in-frame deletion and insertion. To our knowledge, this variant has not been reported in the literature or in a large population database (gnomAD), indicating this variant is rare. At this time, the clinical significance of this variant is uncertain due to the absence of conclusive functional and genetic evidence.

Labcorp Genetics (formerly Invitae), Labcorp
Classification: Likely benign for Primary ciliary dyskinesia. Last evaluated: 2025-12-06. Review status: criteria provided, single submitter. Criteria: Invitae Variant Classification Sherloc (09022015). Collection method: clinical testing. Allele origin: germline.

GeneDx
Classification: Uncertain significance. Last evaluated: 2019-10-17. Review status: criteria provided, single submitter. Criteria: GeneDx Variant Classification Process June 2021. Collection method: clinical testing. Allele origin: germline. Affected: yes.
Comment: In silico analysis, which includes protein predictors and evolutionary conservation, supports a deleterious effect; Has not been previously published as pathogenic or benign to our knowledge

NM_001277115.2(DNAH11):c.1915_1916inv (p.Gln639Trp)

Gene: DNAH11 (dynein axonemal heavy chain 11; plus strand). Cytogenetic location: 7p15.3.
Variant type: Inversion.
Coding change: c.1915_1916inv on transcript NM_001277115.2 (MANE Select).
Protein change: p.Gln639Trp; replaces glutamine 639 with tryptophan.
Molecular consequence: missense variant.
Genome position: GRCh38 VCF-style: chr7-21588578-CA-TG. GRCh37 (hg19) VCF-style: chr7-21628196-CA-TG.
Other names: c.1915_1916delCAinsTG (NM_001277115.1); c.1915_1916delinsTG (NM_001277115.1); short protein forms Q639W.
Identifiers: ClinVar variation 1114735 (VCV001114735.12), ClinGen allele CA2499218847.